The following is an entry in ClinVar:

NM_022575.4(VPS16):c.33C>T (p.Leu11=)

Genes: PCED1A (PC-esterase domain containing 1A; minus strand), VPS16 (VPS16 core subunit of CORVET and HOPS complexes; plus strand). Cytogenetic location: 20p13.
Variant type: single nucleotide variant.
Coding change: c.33C>T on transcript NM_022575.4 (MANE Select); coding-DNA position 33, C replaced by T.
Protein change: p.Leu11=; no amino-acid change (leucine 11 retained).
Molecular consequence: synonymous variant. On other transcripts: intron variant (1).
Genome position (GRCh38, 1-based): chr20:2,840,807, C>T. VCF-style: chr20-2840807-C-T. GRCh37 (hg19) VCF-style: chr20-2821453-C-T.
Other names: c.33C>T, p.Leu11= (NM_080413.3); c.-22+59G>A (NM_001271168.2).
Identifiers: ClinVar variation 3777800 (VCV003777800.7).

ClinVar aggregate classification (germline): Likely benign (1 of 4 stars; one submission).

gnomAD v4.1: 1 of 1,548,172 alleles (0.000065%); highest among the groups gnomAD compares: Non-Finnish European, 0.000087%; no homozygotes.

Submission:

CeGaT Center for Human Genetics Tuebingen
Classification: Likely benign. Last evaluated: 2025-03-01. Review status: criteria provided, single submitter. Criteria: CeGaT Center For Human Genetics Tuebingen Variant Classification Criteria Version 2. Collection method: clinical testing. Allele origin: germline. Affected: yes. Observed: 1 variant allele.
Comment: VPS16: BP4, BP7